The following is an entry in ClinVar:

ClinVar aggregate classification (germline): Likely benign. Review status: criteria provided, multiple submitters, no conflicts (2 of 4 stars). 4 submissions from 4 submitters: Likely benign (4). Last evaluated 2025-12-01.

Conditions:
Inborn genetic diseases. Identifiers: MedGen C0950123, MeSH D030342.

Allele frequency attached by ClinVar (database versions not stated): gnomAD 0.00011; TOPMed 0.00011; ExAC 0.00012; gnomAD exomes 0.00012 and 0.00018; ESP Exome Variant Server 0.00038.
gnomAD v4.1: 278 of 1,614,098 alleles (0.017%); highest among the groups gnomAD compares: Non-Finnish European, 0.022%; no homozygotes.

Submissions (4):

CeGaT Center for Human Genetics Tuebingen
Classification: Likely benign. Last evaluated: 2025-12-01. Review status: criteria provided, single submitter. Criteria: CeGaT Center For Human Genetics Tuebingen Variant Classification Criteria Version 2. Collection method: clinical testing. Allele origin: germline. Affected: yes. Observed: 2 variant alleles.
Comment: ARID1A: PP2, BS1

Labcorp Genetics (formerly Invitae), Labcorp
Classification: Likely benign. Last evaluated: 2025-09-02. Review status: criteria provided, single submitter. Criteria: Invitae Variant Classification Sherloc (09022015). Collection method: clinical testing. Allele origin: germline.

Ambry Genetics
Classification: Likely benign for Inborn genetic diseases. Last evaluated: 2023-05-16. Review status: criteria provided, single submitter. Criteria: Ambry Variant Classification Scheme 2023. Collection method: clinical testing. Allele origin: germline.

Genetic Services Laboratory, University of Chicago
Classification: Likely benign. Last evaluated: 2016-06-09. Review status: criteria provided, single submitter. Criteria: ACMG Guidelines, 2015. Collection method: clinical testing. Allele origin: germline. Affected: no.

NM_006015.6(ARID1A):c.2204G>A (p.Ser735Asn)

Gene: ARID1A (AT-rich interaction domain 1A; plus strand). Cytogenetic location: 1p36.11.
Variant type: single nucleotide variant.
Coding change: c.2204G>A on transcript NM_006015.6 (MANE Select); coding-DNA position 2204, G replaced by A.
Protein change: p.Ser735Asn; replaces serine 735 with asparagine.
Molecular consequence: missense variant.
Genome position (GRCh38, 1-based): chr1:26,761,426, G>A. VCF-style: chr1-26761426-G-A. GRCh37 (hg19) VCF-style: chr1-27087917-G-A.
Other names: c.2204G>A (LRG_875t1); c.2204G>A, p.Ser735Asn (NM_139135.4); short protein forms S735N.
Identifiers: ClinVar variation 434338 (VCV000434338.36), dbSNP rs142353005, ClinGen allele CA706938.